The following is an entry in ClinVar:

ClinVar aggregate classification (germline): Uncertain significance (1 of 4 stars; one submission).

Allele frequency attached by ClinVar (database versions not stated): gnomAD exomes below 0.00001.
gnomAD v4.1: 1 of 1,614,224 alleles (0.000062%); highest among the groups gnomAD compares: Non-Finnish European, 0.000085%; no homozygotes.

Submission:

GeneDx
Classification: Uncertain significance. Last evaluated: 2024-02-29. Review status: criteria provided, single submitter. Criteria: GeneDx Variant Classification Process June 2021. Collection method: clinical testing. Allele origin: germline. Affected: yes.
Comment: Not observed at significant frequency in large population cohorts (gnomAD); In silico analysis supports that this missense variant has a deleterious effect on protein structure/function; Has not been previously published as pathogenic or benign to our knowledge

NM_004863.4(SPTLC2):c.1043G>A (p.Ser348Asn)

Gene: SPTLC2 (serine palmitoyltransferase long chain base subunit 2; minus strand). Cytogenetic location: 14q24.3.
Variant type: single nucleotide variant.
Coding change: c.1043G>A on transcript NM_004863.4 (MANE Select); coding-DNA position 1043, G replaced by A.
Protein change: p.Ser348Asn; replaces serine 348 with asparagine.
Molecular consequence: missense variant.
Genome position (GRCh38, 1-based): chr14:77,555,433, C>T on the plus strand (G>A on the coding strand, the complement: SPTLC2 is on the minus strand). VCF-style: chr14-77555433-C-T. GRCh37 (hg19) VCF-style: chr14-78021776-C-T.
Other names: short protein forms S348N.
Identifiers: ClinVar variation 1708731 (VCV001708731.3), dbSNP rs2503486850, ClinGen allele CA390708862.
Genomic context (GRCh38, chr14:77,555,433, plus strand): 5'-TCGGGATCCAGGCCAAAGTACTCCACCACACCCCGGCCTGTGGGGCCCAGGGCGCCAATG[C>T]TGTGAGCCTCATCCAGATACAAGTATGCCTTGTATTTCTTCTTGAGGGCAATCACTTCAG-3'
Protein context (NP_004854.1, residues 338-358): KAYLYLDEAH[Ser348Asn]IGALGPTGRG